The following is an entry in ClinVar:

NM_001004356.3(FGFRL1):c.202C>T (p.Arg68Cys)

Gene: FGFRL1 (fibroblast growth factor receptor like 1; plus strand). Cytogenetic location: 4p16.3.
Variant type: single nucleotide variant.
Coding change: c.202C>T on transcript NM_001004356.3 (MANE Select); coding-DNA position 202, C replaced by T.
Protein change: p.Arg68Cys; replaces arginine 68 with cysteine.
Molecular consequence: missense variant.
Genome position (GRCh38, 1-based): chr4:1,022,325, C>T. VCF-style: chr4-1022325-C-T. GRCh37 (hg19) VCF-style: chr4-1016113-C-T.
Other names: c.202C>T, p.Arg68Cys (NM_001004358.1, NM_001370296.1, NM_021923.3); short protein forms R68C.
Identifiers: ClinVar variation 1414799 (VCV001414799.8), dbSNP rs191062034, ClinGen allele CA2802605.

ClinVar aggregate classification (germline): Uncertain significance (1 of 4 stars; one submission).

Allele frequency attached by ClinVar (database versions not stated): TOPMed 0.00002; gnomAD 0.00003 and 0.00004; 1000 Genomes Project 0.00060; 1000 Genomes Project 30x 0.00062.

Submission:

Labcorp Genetics (formerly Invitae), Labcorp
Classification: Uncertain significance. Last evaluated: 2024-10-08. Review status: criteria provided, single submitter. Criteria: Invitae Variant Classification Sherloc (09022015). Collection method: clinical testing. Allele origin: germline.
Comment: This sequence change replaces arginine, which is basic and polar, with cysteine, which is neutral and slightly polar, at codon 68 of the FGFRL1 protein (p.Arg68Cys). This variant is present in population databases (rs191062034, gnomAD 0.009%). This variant has not been reported in the literature in individuals affected with FGFRL1-related conditions. ClinVar contains an entry for this variant (Variation ID: 1414799). An algorithm developed to predict the effect of missense changes on protein structure and function (PolyPhen-2) suggests that this variant is likely to be disruptive. In summary, the available evidence is currently insufficient to determine the role of this variant in disease. Therefore, it has been classified as a Variant of Uncertain Significance.